The following is an entry in ClinVar:

NM_002907.4(RECQL):c.818del (p.Lys273fs)

Gene: RECQL (RecQ like helicase; minus strand). Cytogenetic location: 12p12.1.
Variant type: Deletion.
Coding change: c.818del on transcript NM_002907.4 (MANE Select); coding-DNA position 818, one base deleted (A; older notation c.818delA).
Protein change: p.Lys273fs; shifts the reading frame from lysine 273.
Molecular consequence: frameshift variant.
Genome position (GRCh38, 1-based): chr12:21,477,852, T deleted on the plus strand (A on the coding strand, the reverse complement: RECQL is on the minus strand); the first of 4 consecutive T bases (chr12:21,477,852-21,477,855); deleting any one gives the same sequence. VCF-style (leftmost placement, unchanged base first): chr12-21477851-CT-C. GRCh37 (hg19) VCF-style: chr12-21630785-CT-C.
Other names: c.818del, p.Lys273fs (NM_032941.3); short protein forms K273fs.
Identifiers: ClinVar variation 1762345 (VCV001762345.2), dbSNP rs1184407336, ClinGen allele CA2580085317.

ClinVar aggregate classification (germline): Uncertain significance (1 of 4 stars; one submission).

Submission:

Ambry Genetics
Classification: Uncertain significance. Last evaluated: 2023-12-06. Review status: criteria provided, single submitter. Criteria: Ambry Variant Classification Scheme 2023. Collection method: clinical testing. Allele origin: germline.
Comment: The c.818delA variant, located in coding exon 6 of the RECQL gene, results from a deletion of one nucleotide at nucleotide position 818, causing a translational frameshift with a predicted alternate stop codon (p.K273Sfs*33). This alteration is expected to result in premature protein truncation or nonsense-mediated mRNA decay. However, the gene-disease association for RECQL is limited. Since supporting evidence is limited at this time, the clinical significance of this alteration remains unclear.